The following is an entry in ClinVar:

NM_001080476.3(GRXCR1):c.40C>T (p.Arg14Trp)

Gene: GRXCR1 (glutaredoxin and cysteine rich domain containing 1; plus strand). Cytogenetic location: 4p13.
Variant type: single nucleotide variant.
Coding change: c.40C>T on transcript NM_001080476.3 (MANE Select); coding-DNA position 40, C replaced by T.
Protein change: p.Arg14Trp; replaces arginine 14 with tryptophan.
Molecular consequence: missense variant.
Genome position (GRCh38, 1-based): chr4:42,893,306, C>T. VCF-style: chr4-42893306-C-T. GRCh37 (hg19) VCF-style: chr4-42895323-C-T.
Other names: short protein forms R14W.
Identifiers: ClinVar variation 1520485 (VCV001520485.7), dbSNP rs201948629, ClinGen allele CA2904299.

ClinVar aggregate classification (germline): Uncertain significance. Review status: criteria provided, multiple submitters, no conflicts (2 of 4 stars). 2 submissions from 2 submitters: Uncertain significance (2). Last evaluated 2025-01-02.

Allele frequency attached by ClinVar (database versions not stated): TOPMed 0.00001; ExAC 0.00003; gnomAD exomes 0.00004 and 0.00005; ESP Exome Variant Server 0.00008.
gnomAD v4.1: 73 of 1,613,640 alleles (0.0045%); highest among the groups gnomAD compares: Middle Eastern, 0.066%; no homozygotes.

Submissions (2):

Labcorp Genetics (formerly Invitae), Labcorp
Classification: Uncertain significance. Last evaluated: 2025-01-02. Review status: criteria provided, single submitter. Criteria: Invitae Variant Classification Sherloc (09022015). Collection method: clinical testing. Allele origin: germline.
Comment: This sequence change replaces arginine, which is basic and polar, with tryptophan, which is neutral and slightly polar, at codon 14 of the GRXCR1 protein (p.Arg14Trp). This variant is present in population databases (rs201948629, gnomAD 0.009%). This variant has not been reported in the literature in individuals affected with GRXCR1-related conditions. ClinVar contains an entry for this variant (Variation ID: 1520485). An algorithm developed to predict the effect of missense changes on protein structure and function (PolyPhen-2) suggests that this variant is likely to be disruptive. In summary, the available evidence is currently insufficient to determine the role of this variant in disease. Therefore, it has been classified as a Variant of Uncertain Significance.

Blueprint Genetics
Classification: Uncertain significance. Last evaluated: 2022-11-16. Review status: criteria provided, single submitter. Criteria: ACMG Guidelines, 2015. Collection method: clinical testing. Allele origin: germline.